The following is an entry in ClinVar:

ClinVar aggregate classification (germline): Uncertain significance. Review status: criteria provided, single submitter (1 of 4 stars). 2 submissions from 2 submitters: Uncertain significance (1). 1 of the submissions does not count toward it. Last evaluated 2025-06-09.

Conditions:
KMT2D-related disorder. Also called: KMT2D-Related Disorders.
Kabuki syndrome. Also called: NIIKAWA-KUROKI SYNDROME; Kabuki make-up syndrome. Identifiers: Orphanet 2322, MedGen C0796004, MONDO:0016512.

Submissions (2):

Labcorp Genetics (formerly Invitae), Labcorp
Classification: Uncertain significance for Kabuki syndrome. Last evaluated: 2025-06-09. Review status: criteria provided, single submitter. Criteria: Invitae Variant Classification Sherloc (09022015). Collection method: clinical testing. Allele origin: germline.
Comment: This variant, c.11838_11840dup, results in the insertion of 1 amino acid(s) of the KMT2D protein (p.Gln3947dup), but otherwise preserves the integrity of the reading frame. This variant is not present in population databases (gnomAD no frequency). This variant has not been reported in the literature in individuals affected with KMT2D-related conditions. ClinVar contains an entry for this variant (Variation ID: 3357370). In summary, the available evidence is currently insufficient to determine the role of this variant in disease. Therefore, it has been classified as a Variant of Uncertain Significance.

PreventionGenetics, part of Exact Sciences
Classification: Uncertain significance for KMT2D-related condition. Last evaluated: 2024-07-12. Review status: no assertion criteria provided. Collection method: clinical testing. Allele origin: germline. Not counted in ClinVar's aggregate classification.
Comment: The KMT2D c.11838_11840dupACA variant is predicted to result in an in-frame duplication (p.Gln3947dup). To our knowledge, this variant has not been reported in the literature or in a large population database, indicating this variant is rare. At this time, the clinical significance of this variant is uncertain due to the absence of conclusive functional and genetic evidence.

NM_003482.4(KMT2D):c.11838_11840dup (p.Gln3947_Leu3948insGln)

Gene: KMT2D (lysine methyltransferase 2D; minus strand). Cytogenetic location: 12q13.12.
Variant type: Duplication.
Coding change: c.11838_11840dup on transcript NM_003482.4 (MANE Select); coding-DNA positions 11838 to 11840, 3 bases duplicated (ACA; older notation c.11838_11840dupACA).
Protein change: p.Gln3947_Leu3948insGln.
Molecular consequence: inframe insertion. On other transcripts: inframe indel (1).
Genome position (GRCh38, 1-based): chr12:49,032,865-49,032,867, TGT duplicated on the plus strand (ACA on the coding strand, the reverse complement: KMT2D is on the minus strand); duplicating any 3 consecutive bases within chr12:49,032,865-49,032,869 gives the same sequence; the c. name uses the placement nearest the transcript's 3' end. VCF-style (leftmost placement, unchanged base first): chr12-49032864-C-CTGT. GRCh37 (hg19) VCF-style: chr12-49426647-C-CTGT.
Other names: c.11838_11840dupACA (NM_003482.3).
Identifiers: ClinVar variation 3357370 (VCV003357370.2).